The following is an entry in ClinVar:

ClinVar aggregate classification (germline): Uncertain significance (1 of 4 stars; one submission).

Submission:

Labcorp Genetics (formerly Invitae), Labcorp
Classification: Uncertain significance. Last evaluated: 2025-09-29. Review status: criteria provided, single submitter. Criteria: Invitae Variant Classification Sherloc (09022015). Collection method: clinical testing. Allele origin: germline.
Comment: This sequence change replaces glutamine, which is neutral and polar, with glutamic acid, which is acidic and polar, at codon 95 of the ANK3 protein (p.Gln95Glu). This variant is not present in population databases (gnomAD no frequency). This variant has not been reported in the literature in individuals affected with ANK3-related conditions. An algorithm developed to predict the effect of missense changes on protein structure and function (PolyPhen-2) suggests that this variant is likely to be tolerated. In summary, the available evidence is currently insufficient to determine the role of this variant in disease. Therefore, it has been classified as a Variant of Uncertain Significance.

NM_020987.5(ANK3):c.283C>G (p.Gln95Glu)

Gene: ANK3 (ankyrin 3; minus strand). Cytogenetic location: 10q21.2.
Variant type: single nucleotide variant.
Coding change: c.283C>G on transcript NM_020987.5 (MANE Select); coding-DNA position 283, C replaced by G.
Protein change: p.Gln95Glu; replaces glutamine 95 with glutamic acid.
Molecular consequence: missense variant.
Genome position (GRCh38, 1-based): chr10:60,279,082, G>C on the plus strand (C>G on the coding strand, the complement: ANK3 is on the minus strand). VCF-style: chr10-60279082-G-C. GRCh37 (hg19) VCF-style: chr10-62038840-G-C.
Other names: c.265C>G, p.Gln89Glu (NM_001204403.2); c.232C>G, p.Gln78Glu (NM_001204404.2); c.283C>G, p.Gln95Glu (NM_001320874.2); short protein forms Q78E, Q89E, Q95E.
Identifiers: ClinVar variation 4765638 (VCV004765638.1).
Genomic context (GRCh38, chr10:60,279,082, plus strand): 5'-CAAAAAGCATTAAATATGTGATACTGACCTTTGTAGCTGCATCCACATTGGCTTCTCTCT[G>C]CAGCAGCTCAGAAACAACCTCTACATGGCCTTCTTTGGAAGCAAGGTGGAGAGCGTTCAA-3'
Protein context (NP_066267.2, residues 85-105): GHVEVVSELL[Gln95Glu]REANVDAATK